The following is an entry in ClinVar:

NM_000465.4(BARD1):c.1700A>G (p.Asp567Gly)

Gene: BARD1 (BRCA1 associated RING domain 1; minus strand). Cytogenetic location: 2q35.
Variant type: single nucleotide variant.
Coding change: c.1700A>G on transcript NM_000465.4 (MANE Select); coding-DNA position 1700, A replaced by G.
Protein change: p.Asp567Gly; replaces aspartic acid 567 with glycine.
Molecular consequence: missense variant. On other transcripts: non-coding transcript variant (3), intron variant (1).
Genome position (GRCh38, 1-based): chr2:214,745,832, T>C on the plus strand (A>G on the coding strand, the complement: BARD1 is on the minus strand). VCF-style: chr2-214745832-T-C. GRCh37 (hg19) VCF-style: chr2-215610556-T-C.
Other names: c.1643A>G, p.Asp548Gly (NM_001282543.2); c.347A>G, p.Asp116Gly (NM_001282545.2); c.290A>G, p.Asp97Gly (NM_001282548.2); c.365-15324A>G (NM_001282549.2); short protein forms D116G, D548G, D567G, D97G.
Identifiers: ClinVar variation 1692445 (VCV001692445.2), dbSNP rs2106021331, ClinGen allele CA350453254.
Genomic context (GRCh38, chr2:214,745,832, plus strand): 5'-TCACTGAGCATTTTCTGTTGTTCTGAAGACAGCCCACTGCCTATAAGTACAAGAGGTCCA[T>C]CCCTACGCTGCCCAGTGTTCATCTGTTAATATAAAAGGAGATACCAGTGTTAAAAACATT-3'
Protein context (NP_000456.2, residues 557-577): CSVMNTGQRR[Asp567Gly]GPLVLIGSGL

ClinVar aggregate classification (germline): Uncertain significance. Review status: criteria provided, multiple submitters, no conflicts (2 of 4 stars). 2 submissions from 2 submitters: Uncertain significance (2). Last evaluated 2026-05-11.

Conditions:
Hereditary cancer-predisposing syndrome. Also called: Hereditary Cancer Syndrome; Neoplastic Syndromes, Hereditary; Hereditary neoplastic syndrome; Tumor predisposition. Identifiers: Orphanet 140162, MedGen C0027672, MeSH D009386, MONDO:0015356.

Allele frequency attached by ClinVar (database versions not stated): gnomAD exomes below 0.00001; gnomAD 0.00001.
gnomAD v4.1: 2 of 1,613,934 alleles (0.00012%); highest among the groups gnomAD compares: East Asian, 0.0022%; no homozygotes.

Submissions (2):

Ambry Genetics
Classification: Uncertain significance for Hereditary cancer-predisposing syndrome. Last evaluated: 2026-05-11. Review status: criteria provided, single submitter. Criteria: Ambry Variant Classification Scheme 2023. Collection method: clinical testing. Allele origin: germline.
Comment: The p.D567G variant (also known as c.1700A>G), located in coding exon 8 of the BARD1 gene, results from an A to G substitution at nucleotide position 1700. The aspartic acid at codon 567 is replaced by glycine, an amino acid with similar properties. This amino acid position is not well conserved in available vertebrate species. In addition, this alteration is predicted to be tolerated by in silico analysis. Based on the available evidence, the clinical significance of this variant remains unclear.

Sema4
Classification: Uncertain significance for Hereditary cancer-predisposing syndrome. Last evaluated: 2021-12-14. Review status: criteria provided, single submitter. Criteria: Sema4 Curation Guidelines. Collection method: curation. Allele origin: germline.
Comment: The BARD1 c.1700A>G (p.D567G) variant has not been reported in the literature to our knowledge. It was not observed in the large and broad cohorts of the Genome Aggregation Database (PMID: 32461654), nor in ClinVar. Functional studies have not been performed, and in silico predictions of the variant's effect on protein function are inconclusive. The evidence is insufficient to meet ACMG/AMP criteria for classifying the variant as benign or pathogenic. Thus, the clinical significance of this variant is currently uncertain.